The following is an entry in ClinVar:

ClinVar aggregate classification (germline): Uncertain significance. Review status: criteria provided, single submitter (1 of 4 stars). 2 submissions from 2 submitters: Uncertain significance (1). 1 of the submissions does not count toward it. Last evaluated 2025-02-28.

Conditions:
Renal tubular acidosis with progressive nerve deafness. Also called: renal tubular acidosis, distal, 2, with progressive sensorineural hearing loss; Distal Renal Tubular Acidosis with Progressive Sensorineural Deafness; RENAL TUBULAR ACIDOSIS, AUTOSOMAL RECESSIVE, WITH PROGRESSIVE NERVE DEAFNESS; RTA WITH PROGRESSIVE NERVE DEAFNESS. Identifiers: MedGen C0403554, MONDO:0009968, OMIM 267300.

Submissions (2):

3billion
Classification: Uncertain significance for Renal tubular acidosis with progressive nerve deafness. Last evaluated: 2025-02-28. Review status: criteria provided, single submitter. Criteria: ACMG Guidelines, 2015. Collection method: clinical testing. Allele origin: germline. Affected: yes.
Comment: The variant is observed at an extremely low frequency in the gnomAD v4.1.0 dataset (total allele frequency: <0.001%). Predicted Consequence/Location: Inframe deletion located in a nonrepeat region: predicted to change the length of the protein and disrupt normal protein function. The variant has been reported to be associated with ATP6V1B1-related disorder (PMID: 31949730). However, the evidence of pathogenicity is insufficient at this time. Therefore, this variant is classified as VUS according to the recommendation of ACMG/AMP guideline.

WangQJ Lab, Chinese People's Liberation Army General Hospital
Classification: Uncertain significance for Renal tubular acidosis with progressive nerve deafness. Last evaluated: 2021-07-01. Review status: no assertion criteria provided. Collection method: clinical testing. Allele origin: inherited. Not counted in ClinVar's aggregate classification.

Literature cited by the submitters: PubMed 31949730 (cited by 3billion).

NM_001692.4(ATP6V1B1):c.1331_1348del (p.Leu444_Leu449del)

Gene: ATP6V1B1 (ATPase H+ transporting V1 subunit B1; plus strand). Cytogenetic location: 2p13.3.
Variant type: Deletion.
Coding change: c.1331_1348del on transcript NM_001692.4 (MANE Select); coding-DNA positions 1331 to 1348, 18 bases deleted (TCTACCTGGAATTCCTGC).
Protein change: p.Leu444_Leu449del.
Molecular consequence: inframe deletion.
Genome position (GRCh38, 1-based): chr2:70,964,818-70,964,835, TCTACCTGGAATTCCTGC deleted; deleting any 18 consecutive bases within chr2:70,964,813-70,964,835 gives the same sequence; the c. name uses the placement nearest the transcript's 3' end. VCF-style (leftmost placement, unchanged base first): chr2-70964812-ACCTGCTCTACCTGGAATT-A. GRCh37 (hg19) VCF-style: chr2-71191942-ACCTGCTCTACCTGGAATT-A.
Identifiers: ClinVar variation 1185142 (VCV001185142.2), dbSNP rs1219560039, ClinGen allele CA533654887.